The following is an entry in ClinVar:

ClinVar aggregate classification (germline): Uncertain significance. Review status: criteria provided, multiple submitters, no conflicts (2 of 4 stars). 2 submissions from 2 submitters: Uncertain significance (2). Last evaluated 2024-06-07.

Conditions:
Epileptic encephalopathy. Identifiers: MedGen C0543888, HP:0200134.

Allele frequency attached by ClinVar (database versions not stated): gnomAD 0.00001; gnomAD exomes 0.00002 and 0.00009; TOPMed 0.00002; ExAC 0.00006.
gnomAD v4.1: 27 of 1,613,848 alleles (0.0017%); highest among the groups gnomAD compares: Admixed American, 0.045%; no homozygotes.

Submissions (2):

Ambry Genetics
Classification: Uncertain significance. Last evaluated: 2024-06-07. Review status: criteria provided, single submitter. Criteria: Ambry Variant Classification Scheme 2023. Collection method: clinical testing. Allele origin: germline.

Labcorp Genetics (formerly Invitae), Labcorp
Classification: Uncertain significance for Epileptic encephalopathy. Last evaluated: 2022-07-11. Review status: criteria provided, single submitter. Criteria: Invitae Variant Classification Sherloc (09022015). Collection method: clinical testing. Allele origin: germline.
Comment: This sequence change replaces isoleucine, which is neutral and non-polar, with methionine, which is neutral and non-polar, at codon 4268 of the RYR3 protein (p.Ile4268Met). This variant is present in population databases (rs753107741, gnomAD 0.06%), and has an allele count higher than expected for a pathogenic variant. This variant has not been reported in the literature in individuals affected with RYR3-related conditions. ClinVar contains an entry for this variant (Variation ID: 853257). Algorithms developed to predict the effect of missense changes on protein structure and function output the following: SIFT: "Tolerated"; PolyPhen-2: "Benign"; Align-GVGD: "Class C0". The methionine amino acid residue is found in multiple mammalian species, which suggests that this missense change does not adversely affect protein function. In summary, the available evidence is currently insufficient to determine the role of this variant in disease. Therefore, it has been classified as a Variant of Uncertain Significance.

NM_001036.6(RYR3):c.12804A>G (p.Ile4268Met)

Gene: RYR3 (ryanodine receptor 3; plus strand). Cytogenetic location: 15q14.
Variant type: single nucleotide variant.
Coding change: c.12804A>G on transcript NM_001036.6 (MANE Select); coding-DNA position 12804, A replaced by G.
Protein change: p.Ile4268Met; replaces isoleucine 4268 with methionine.
Molecular consequence: missense variant.
Genome position (GRCh38, 1-based): chr15:33,838,784, A>G. VCF-style: chr15-33838784-A-G. GRCh37 (hg19) VCF-style: chr15-34130985-A-G.
Other names: c.12789A>G, p.Ile4263Met (NM_001243996.4); c.12804A>G (NM_001036.3); short protein forms I4268M, I4263M.
Identifiers: ClinVar variation 853257 (VCV000853257.6), dbSNP rs753107741, ClinGen allele CA7461472.